The following is an entry in ClinVar:

NM_152703.5(SAMD9L):c.4393C>G (p.Arg1465Gly)

Gene: SAMD9L (sterile alpha motif domain containing 9 like; minus strand). Cytogenetic location: 7q21.2.
Variant type: single nucleotide variant.
Coding change: c.4393C>G on transcript NM_152703.5 (MANE Select); coding-DNA position 4393, C replaced by G.
Protein change: p.Arg1465Gly; replaces arginine 1465 with glycine.
Molecular consequence: missense variant.
Genome position (GRCh38, 1-based): chr7:93,131,579, G>C on the plus strand (C>G on the coding strand, the complement: SAMD9L is on the minus strand). VCF-style: chr7-93131579-G-C. GRCh37 (hg19) VCF-style: chr7-92760892-G-C.
Other names: c.4393C>G (NM_152703.2); c.4393C>G, p.Arg1465Gly (NM_001303496.3, NM_001303497.3, NM_001303498.3 and 5 more transcripts); short protein forms R1465G.
Identifiers: ClinVar variation 1937504 (VCV001937504.6), dbSNP rs181466556, ClinGen allele CA368174012.

ClinVar aggregate classification (germline): Uncertain significance. Review status: criteria provided, multiple submitters, no conflicts (2 of 4 stars). 2 submissions from 2 submitters: Uncertain significance (2). Last evaluated 2025-11-15.

Conditions:
Inborn genetic diseases. Identifiers: MedGen C0950123, MeSH D030342.

gnomAD v4.1: 1 of 1,613,868 alleles (0.000062%); highest among the groups gnomAD compares: Non-Finnish European, 0.000085%; no homozygotes.

Submissions (2):

Ambry Genetics
Classification: Uncertain significance for Inborn genetic diseases. Last evaluated: 2025-11-15. Review status: criteria provided, single submitter. Criteria: Ambry Variant Classification Scheme 2023. Collection method: clinical testing. Allele origin: germline.
Comment: The p.R1465G variant (also known as c.4393C>G), located in coding exon 1 of the SAMD9L gene, results from a C to G substitution at nucleotide position 4393. The arginine at codon 1465 is replaced by glycine, an amino acid with dissimilar properties. This amino acid position is conserved. In addition, this alteration is predicted to be tolerated by in silico analysis. Based on the available evidence, the clinical significance of this variant remains unclear.

Labcorp Genetics (formerly Invitae), Labcorp
Classification: Uncertain significance. Last evaluated: 2023-12-06. Review status: criteria provided, single submitter. Criteria: Invitae Variant Classification Sherloc (09022015). Collection method: clinical testing. Allele origin: germline.
Comment: This sequence change replaces arginine, which is basic and polar, with glycine, which is neutral and non-polar, at codon 1465 of the SAMD9L protein (p.Arg1465Gly). This variant is not present in population databases (gnomAD no frequency). This variant has not been reported in the literature in individuals affected with SAMD9L-related conditions. ClinVar contains an entry for this variant (Variation ID: 1937504). Advanced modeling of protein sequence and biophysical properties (such as structural, functional, and spatial information, amino acid conservation, physicochemical variation, residue mobility, and thermodynamic stability) performed at Invitae indicates that this missense variant is not expected to disrupt SAMD9L protein function with a negative predictive value of 80%. In summary, the available evidence is currently insufficient to determine the role of this variant in disease. Therefore, it has been classified as a Variant of Uncertain Significance.